The following is an entry in ClinVar:

NM_013432.5(TONSL):c.3662T>C (p.Leu1221Ser)

Gene: TONSL (tonsoku like, DNA repair protein; minus strand). Cytogenetic location: 8q24.3.
Variant type: single nucleotide variant.
Coding change: c.3662T>C on transcript NM_013432.5 (MANE Select); coding-DNA position 3662, T replaced by C.
Protein change: p.Leu1221Ser; replaces leucine 1221 with serine.
Molecular consequence: missense variant.
Genome position (GRCh38, 1-based): chr8:144,432,358, A>G on the plus strand (T>C on the coding strand, the complement: TONSL is on the minus strand). VCF-style: chr8-144432358-A-G. GRCh37 (hg19) VCF-style: chr8-145657741-A-G.
Other names: short protein forms L1221S.
Identifiers: ClinVar variation 2798923 (VCV002798923.3), dbSNP rs2537476573, ClinGen allele CA372641533.

ClinVar aggregate classification (germline): Uncertain significance (1 of 4 stars; one submission).

Allele frequency attached by ClinVar (database versions not stated): gnomAD exomes below 0.00001.
gnomAD v4.1: 2 of 1,613,464 alleles (0.00012%); highest among the groups gnomAD compares: East Asian, 0.0022%; no homozygotes.

Submission:

Labcorp Genetics (formerly Invitae), Labcorp
Classification: Uncertain significance. Last evaluated: 2023-05-11. Review status: criteria provided, single submitter. Criteria: Invitae Variant Classification Sherloc (09022015). Collection method: clinical testing. Allele origin: germline.
Comment: This variant has not been reported in the literature in individuals affected with TONSL-related conditions. In summary, the available evidence is currently insufficient to determine the role of this variant in disease. Therefore, it has been classified as a Variant of Uncertain Significance. Advanced modeling of protein sequence and biophysical properties (such as structural, functional, and spatial information, amino acid conservation, physicochemical variation, residue mobility, and thermodynamic stability) performed at Invitae indicates that this missense variant is expected to disrupt TONSL protein function. This variant is not present in population databases (gnomAD no frequency). This sequence change replaces leucine, which is neutral and non-polar, with serine, which is neutral and polar, at codon 1221 of the TONSL protein (p.Leu1221Ser).